The following is an entry in ClinVar:

NM_006059.4(LAMC3):c.449G>A (p.Arg150His)

Gene: LAMC3 (laminin subunit gamma 3; plus strand). Cytogenetic location: 9q34.12.
Variant type: single nucleotide variant.
Coding change: c.449G>A on transcript NM_006059.4 (MANE Select); coding-DNA position 449, G replaced by A.
Protein change: p.Arg150His; replaces arginine 150 with histidine.
Molecular consequence: missense variant.
Genome position (GRCh38, 1-based): chr9:131,026,360, G>A. VCF-style: chr9-131026360-G-A. GRCh37 (hg19) VCF-style: chr9-133901747-G-A.
Other names: short protein forms R150H.
Identifiers: ClinVar variation 1494323 (VCV001494323.6), dbSNP rs774775769, ClinGen allele CA5286692.

ClinVar aggregate classification (germline): Uncertain significance (1 of 4 stars; one submission).

Allele frequency attached by ClinVar (database versions not stated): TOPMed below 0.00001.
gnomAD v4.1: 19 of 1,614,170 alleles (0.0012%); highest among the groups gnomAD compares: Non-Finnish European, 0.0016%; no homozygotes.

Submission:

Labcorp Genetics (formerly Invitae), Labcorp
Classification: Uncertain significance. Last evaluated: 2021-12-02. Review status: criteria provided, single submitter. Criteria: Invitae Variant Classification Sherloc (09022015). Collection method: clinical testing. Allele origin: germline.
Comment: In summary, the available evidence is currently insufficient to determine the role of this variant in disease. Therefore, it has been classified as a Variant of Uncertain Significance. Algorithms developed to predict the effect of missense changes on protein structure and function are either unavailable or do not agree on the potential impact of this missense change (SIFT: "Deleterious"; PolyPhen-2: "Probably Damaging"; Align-GVGD: "Class C0"). This missense change has been observed in individual(s) with LAMC3-related conditions (PMID: 28191889). This variant is present in population databases (rs774775769, gnomAD 0.003%). This sequence change replaces arginine, which is basic and polar, with histidine, which is basic and polar, at codon 150 of the LAMC3 protein (p.Arg150His).

Literature cited by the submitters: PubMed 28191889.